The following is an entry in ClinVar:

ClinVar aggregate classification (germline): Uncertain significance (1 of 4 stars; one submission).

Submission:

GeneDx
Classification: Uncertain significance. Last evaluated: 2024-04-20. Review status: criteria provided, single submitter. Criteria: GeneDx Variant Classification Process June 2021. Collection method: clinical testing. Allele origin: germline. Affected: yes.
Comment: Not observed at significant frequency in large population cohorts (gnomAD); In silico analysis indicates that this missense variant does not alter protein structure/function; Has not been previously published as pathogenic or benign to our knowledge

NM_022455.5(NSD1):c.1831C>G (p.Arg611Gly)

Gene: NSD1 (nuclear receptor binding SET domain protein 1; plus strand). Cytogenetic location: 5q35.3.
Variant type: single nucleotide variant.
Coding change: c.1831C>G on transcript NM_022455.5 (MANE Select); coding-DNA position 1831, C replaced by G.
Protein change: p.Arg611Gly; replaces arginine 611 with glycine.
Molecular consequence: missense variant.
Genome position (GRCh38, 1-based): chr5:177,210,230, C>G. VCF-style: chr5-177210230-C-G. GRCh37 (hg19) VCF-style: chr5-176637231-C-G.
Other names: c.958C>G, p.Arg320Gly (NM_001365684.2, NM_001409306.1, NM_001409307.1 and 3 more transcripts); c.1831C>G, p.Arg611Gly (NM_001409301.1, NM_001409302.1, NM_001409303.1); c.1411C>G, p.Arg471Gly (NM_001409304.1); c.1078C>G, p.Arg360Gly (NM_001409305.1); short protein forms R320G, R360G, R471G, R611G.
Identifiers: ClinVar variation 3372721 (VCV003372721.1).